The following is an entry in ClinVar:

ClinVar aggregate classification (germline): Uncertain significance (1 of 4 stars; one submission).

Submission:

GeneDx
Classification: Uncertain significance. Last evaluated: 2025-06-09. Review status: criteria provided, single submitter. Criteria: GeneDx Variant Classification Process June 2021. Collection method: clinical testing. Allele origin: germline. Affected: yes.
Comment: Not observed at significant frequency in large population cohorts (gnomAD); In silico analysis supports that this missense variant has a deleterious effect on protein structure/function; Has not been previously published as pathogenic or benign to our knowledge

NM_001199799.2(ILDR1):c.1199G>T (p.Ser400Ile)

Gene: ILDR1 (immunoglobulin like domain containing receptor 1; minus strand). Cytogenetic location: 3q13.33.
Variant type: single nucleotide variant.
Coding change: c.1199G>T on transcript NM_001199799.2 (MANE Select); coding-DNA position 1199, G replaced by T.
Protein change: p.Ser400Ile; replaces serine 400 with isoleucine.
Molecular consequence: missense variant.
Genome position (GRCh38, 1-based): chr3:121,993,550, C>A on the plus strand (G>T on the coding strand, the complement: ILDR1 is on the minus strand). VCF-style: chr3-121993550-C-A. GRCh37 (hg19) VCF-style: chr3-121712397-C-A.
Other names: c.932G>T, p.Ser311Ile (NM_001199800.2); c.1067G>T, p.Ser356Ile (NM_175924.4); short protein forms S311I, S356I, S400I.
Identifiers: ClinVar variation 4537965 (VCV004537965.1).